The following is an entry in ClinVar:

ClinVar aggregate classification (germline): Uncertain significance (1 of 4 stars; one submission).

Conditions:
Hereditary cancer-predisposing syndrome. Also called: Neoplastic Syndromes, Hereditary; Tumor predisposition; Hereditary neoplastic syndrome; Hereditary Cancer Syndrome. Identifiers: Orphanet 140162, MedGen C0027672, MeSH D009386, MONDO:0015356.

Submission:

Labcorp Genetics (formerly Invitae), Labcorp
Classification: Uncertain significance for Hereditary cancer-predisposing syndrome. Last evaluated: 2024-08-28. Review status: criteria provided, single submitter. Criteria: Invitae Variant Classification Sherloc (09022015). Collection method: clinical testing. Allele origin: germline.
Comment: This sequence change replaces isoleucine, which is neutral and non-polar, with serine, which is neutral and polar, at codon 118 of the RAD50 protein (p.Ile118Ser). This variant is not present in population databases (gnomAD no frequency). This variant has not been reported in the literature in individuals affected with RAD50-related conditions. Invitae Evidence Modeling of protein sequence and biophysical properties (such as structural, functional, and spatial information, amino acid conservation, physicochemical variation, residue mobility, and thermodynamic stability) indicates that this missense variant is expected to disrupt RAD50 protein function with a positive predictive value of 80%. In summary, the available evidence is currently insufficient to determine the role of this variant in disease. Therefore, it has been classified as a Variant of Uncertain Significance.

NM_005732.4(RAD50):c.353T>G (p.Ile118Ser)

Gene: RAD50 (RAD50 double strand break repair protein; plus strand). Cytogenetic location: 5q31.1.
Variant type: single nucleotide variant.
Coding change: c.353T>G on transcript NM_005732.4 (MANE Select); coding-DNA position 353, T replaced by G.
Protein change: p.Ile118Ser; replaces isoleucine 118 with serine.
Molecular consequence: missense variant.
Genome position (GRCh38, 1-based): chr5:132,575,916, T>G. VCF-style: chr5-132575916-T-G. GRCh37 (hg19) VCF-style: chr5-131911608-T-G.
Other names: short protein forms I118S.
Identifiers: ClinVar variation 3648426 (VCV003648426.2).
Genomic context (GRCh38, chr5:132,575,916, plus strand): 5'-GATCTATGGTGTGTACTCAGAAAAGCAAAAAGACAGAATTTAAAACTCTGGAAGGAGTCA[T>G]TACTAGAACAAAGTAGGTGTTTATATGATATTTGAATTTCTGTTCATTTTCAGTCTTTTA-3'
Protein context (NP_005723.2, residues 108-128): KTEFKTLEGV[Ile118Ser]TRTKHGEKVS